The following is an entry in ClinVar:

NM_001854.4(COL11A1):c.2059C>T (p.Pro687Ser)

Gene: COL11A1 (collagen type XI alpha 1 chain; minus strand). Cytogenetic location: 1p21.1.
Variant type: single nucleotide variant.
Coding change: c.2059C>T on transcript NM_001854.4 (MANE Select); coding-DNA position 2059, C replaced by T.
Protein change: p.Pro687Ser; replaces proline 687 with serine.
Molecular consequence: missense variant. On other transcripts: non-coding transcript variant (1).
Genome position (GRCh38, 1-based): chr1:103,002,466, G>A on the plus strand (C>T on the coding strand, the complement: COL11A1 is on the minus strand). VCF-style: chr1-103002466-G-A. GRCh37 (hg19) VCF-style: chr1-103468022-G-A.
Other names: c.1942C>T, p.Pro648Ser (NM_001190709.2); c.2095C>T, p.Pro699Ser (NM_080629.3); c.1711C>T, p.Pro571Ser (NM_080630.4); short protein forms P571S, P648S, P699S, P687S.
Identifiers: ClinVar variation 4744677 (VCV004744677.1).

ClinVar aggregate classification (germline): Uncertain significance (1 of 4 stars; one submission).

Submission:

Labcorp Genetics (formerly Invitae), Labcorp
Classification: Uncertain significance. Last evaluated: 2025-05-05. Review status: criteria provided, single submitter. Criteria: Invitae Variant Classification Sherloc (09022015). Collection method: clinical testing. Allele origin: germline.
Comment: This sequence change replaces proline, which is neutral and non-polar, with serine, which is neutral and polar, at codon 687 of the COL11A1 protein (p.Pro687Ser). This variant is not present in population databases (gnomAD no frequency). This variant has not been reported in the literature in individuals affected with COL11A1-related conditions. Invitae Evidence Modeling of protein sequence and biophysical properties (such as structural, functional, and spatial information, amino acid conservation, physicochemical variation, residue mobility, and thermodynamic stability) indicates that this missense variant is not expected to disrupt COL11A1 protein function with a negative predictive value of 80%. In summary, the available evidence is currently insufficient to determine the role of this variant in disease. Therefore, it has been classified as a Variant of Uncertain Significance.